The following is an entry in ClinVar:

ClinVar aggregate classification (germline): Uncertain significance (1 of 4 stars; one submission).

Conditions:
Autosomal dominant nocturnal frontal lobe epilepsy 5. Also called: CILIARY DYSKINESIA, PRIMARY, 28, WITHOUT SITUS INVERSUS; CILIARY DYSKINESIA, PRIMARY, 28, WITH SITUS INVERSUS; KCNT1-Related Epilepsy; Epilepsy, nocturnal frontal lobe, 5. Identifiers: Orphanet 98784, MedGen C3554306, MONDO:0014002, OMIM 615005.
Developmental and epileptic encephalopathy, 14 (DEE14). Also called: Early infantile epileptic encephalopathy 14. Identifiers: Orphanet 293181, MedGen C3554195, MONDO:0013989, OMIM 614959.

gnomAD v4.1: 1 of 1,605,394 alleles (0.000062%); highest among the groups gnomAD compares: Non-Finnish European, 0.000085%; no homozygotes.

Submission:

Labcorp Genetics (formerly Invitae), Labcorp
Classification: Uncertain significance for Autosomal dominant nocturnal frontal lobe epilepsy 5; Developmental and epileptic encephalopathy, 14. Last evaluated: 2025-03-15. Review status: criteria provided, single submitter. Criteria: Invitae Variant Classification Sherloc (09022015). Collection method: clinical testing. Allele origin: germline.
Comment: This sequence change replaces leucine, which is neutral and non-polar, with phenylalanine, which is neutral and non-polar, at codon 1235 of the KCNT1 protein (p.Leu1235Phe). This variant is not present in population databases (gnomAD no frequency). This variant has not been reported in the literature in individuals affected with KCNT1-related conditions. Invitae Evidence Modeling of protein sequence and biophysical properties (such as structural, functional, and spatial information, amino acid conservation, physicochemical variation, residue mobility, and thermodynamic stability) indicates that this missense variant is not expected to disrupt KCNT1 protein function with a negative predictive value of 95%. In summary, the available evidence is currently insufficient to determine the role of this variant in disease. Therefore, it has been classified as a Variant of Uncertain Significance.

NM_020822.3(KCNT1):c.3703C>T (p.Leu1235Phe)

Gene: KCNT1 (potassium sodium-activated channel subfamily T member 1; plus strand). Cytogenetic location: 9q34.3.
Variant type: single nucleotide variant.
Coding change: c.3703C>T on transcript NM_020822.3 (MANE Select); coding-DNA position 3703, C replaced by T.
Protein change: p.Leu1235Phe; replaces leucine 1235 with phenylalanine.
Molecular consequence: missense variant.
Genome position (GRCh38, 1-based): chr9:135,792,156, C>T. VCF-style: chr9-135792156-C-T. GRCh37 (hg19) VCF-style: chr9-138684002-C-T.
Other names: c.3631C>T, p.Leu1211Phe (NM_001272003.2); short protein forms L1211F, L1235F.
Identifiers: ClinVar variation 4789545 (VCV004789545.1).
Genomic context (GRCh38, chr9:135,792,156, plus strand): 5'-AAGAGCAGCTGCAGCCACAAGCTGTCGTCCTGCAACCCCGAGACTCGCGACGAGACACAG[C>T]TCTGAGCCAGCCCTGCACGGAGCTCAGGCCACCAAGCCCGGGGTCCTCAGGAAGGACGTG-3'
Protein context (NP_065873.2, residues 1225-1235): CNPETRDETQ[Leu1235Phe]